The following is an entry in ClinVar:

NM_030653.4(DDX11):c.1482+2T>C

Gene: DDX11 (DEAD/H-box helicase 11; plus strand). Cytogenetic location: 12p11.21.
Variant type: single nucleotide variant.
Coding change: c.1482+2T>C on transcript NM_030653.4 (MANE Select); the canonical splice donor site of the intron after coding-DNA position 1482, T replaced by C.
Molecular consequence: splice donor variant.
Genome position (GRCh38, 1-based): chr12:31,094,824, T>C. VCF-style: chr12-31094824-T-C. GRCh37 (hg19) VCF-style: chr12-31247758-T-C.
Other names: c.1482+2T>C (NM_001413693.1, NM_152438.2, NM_004399.3 and 5 more transcripts); c.621+2T>C (NM_001413705.1, NM_001413704.1); c.516+2T>C (NM_001413706.1); c.1395+2T>C (NM_001413700.1); c.954+2T>C (NM_001413702.1, NM_001413703.1); c.1404+2T>C (NM_001413697.1, NM_001413699.1, NM_001257145.2 and 1 more transcripts).
Identifiers: ClinVar variation 1031443 (VCV001031443.1), dbSNP rs1944933634, ClinGen allele CA384244754.

ClinVar aggregate classification (germline): Pathogenic (1 of 4 stars; one submission).

Conditions:
Warsaw breakage syndrome (WABS). Also called: DDX11-Related Cohesinopathy. Identifiers: Orphanet 280558, MedGen C3150658, MONDO:0013252, OMIM 613398.

Submission:

Baylor Genetics
Classification: Pathogenic for Warsaw breakage syndrome. Last evaluated: 2018-03-21. Review status: criteria provided, single submitter. Criteria: ACMG Guidelines, 2015. Collection method: clinical testing. Allele origin: maternal. Affected: yes.
Comment: This variant was determined to be pathogenic according to ACMG Guidelines, 2015 [PMID:25741868].